The following is an entry in ClinVar:

NM_001005373.4(LRSAM1):c.2092C>T (p.Gln698Ter)

Gene: LRSAM1 (leucine rich repeat and sterile alpha motif containing 1; plus strand). Cytogenetic location: 9q34.11.
Variant type: single nucleotide variant.
Coding change: c.2092C>T on transcript NM_001005373.4 (MANE Select); coding-DNA position 2092, C replaced by T.
Protein change: p.Gln698Ter; replaces glutamine 698 with a stop codon.
Molecular consequence: nonsense. On other transcripts: non-coding transcript variant (2).
Genome position (GRCh38, 1-based): chr9:127,502,819, C>T. VCF-style: chr9-127502819-C-T. GRCh37 (hg19) VCF-style: chr9-130265098-C-T.
Other names: c.2092C>T, p.Gln698Ter (NM_001005374.4, NM_001384142.1, NM_138361.5); c.2011C>T, p.Gln671Ter (NM_001190723.3); c.1993C>T, p.Gln665Ter (NM_001384143.1); c.1303C>T, p.Gln435Ter (NM_001384144.1); short protein forms Q671*, Q665*, Q698*, Q435*.
Identifiers: ClinVar variation 2858217 (VCV002858217.4), dbSNP rs2539470786, ClinGen allele CA374938779.

ClinVar aggregate classification (germline): Likely pathogenic. Review status: criteria provided, multiple submitters, no conflicts (2 of 4 stars). 2 submissions from 2 submitters: Likely pathogenic (2). Last evaluated 2024-04-05.

Conditions:
Charcot-Marie-Tooth disease axonal type 2P. Also called: CHARCOT-MARIE-TOOTH NEUROPATHY, TYPE 2P; Charcot-Marie-Tooth Neuropathy Type 2G; CHARCOT-MARIE-TOOTH DISEASE, AXONAL, TYPE 2G; CMT 2G. Identifiers: Orphanet 300319, Orphanet 99941, MedGen C3280797, MONDO:0013753, OMIM 614436.
LRSAM1-related disorder. Also called: LRSAM1-related condition.

Submissions (2):

Blueprint Genetics
Classification: Likely pathogenic for LRSAM1-related disorders. Last evaluated: 2024-04-05. Review status: criteria provided, single submitter. Criteria: ACMG Guidelines, 2015. Collection method: clinical testing. Allele origin: germline. Affected: yes. Observed: 1 variant allele.

Labcorp Genetics (formerly Invitae), Labcorp
Classification: Likely pathogenic for Charcot-Marie-Tooth disease axonal type 2P. Last evaluated: 2023-11-30. Review status: criteria provided, single submitter. Criteria: Invitae Variant Classification Sherloc (09022015). Collection method: clinical testing. Allele origin: germline.
Comment: This sequence change creates a premature translational stop signal (p.Gln698*) in the LRSAM1 gene. While this is not anticipated to result in nonsense mediated decay, it is expected to disrupt the last 26 amino acid(s) of the LRSAM1 protein. This variant is not present in population databases (gnomAD no frequency). This variant has not been reported in the literature in individuals affected with LRSAM1-related conditions. This protein change is located in a region of the LRSAM1 protein where a significant number of LRSAM1 nonsense and frameshift mutations have been reported in autosomal dominant Charcot-Marie-Tooth disease (PMID: 33414056, 31211173, 29341362). In summary, the currently available evidence indicates that the variant is pathogenic, but additional data are needed to prove that conclusively. Therefore, this variant has been classified as Likely Pathogenic.

Literature cited by the submitters: PubMed 33414056 (cited by Labcorp Genetics (formerly Invitae), Labcorp); PubMed 31211173 (cited by Labcorp Genetics (formerly Invitae), Labcorp); PubMed 29341362 (cited by Labcorp Genetics (formerly Invitae), Labcorp).